The following is an entry in ClinVar:

Conditions:
Breast-ovarian cancer, familial, susceptibility to, 1 (BROVCA1). Also called: BRCA1 Hereditary Breast and Ovarian Cancer; OVARIAN CANCER, SUSCEPTIBILITY TO. Identifiers: Orphanet 145, MedGen C2676676, MONDO:0011450, OMIM 604370. Disease mechanism: loss of function.

Submission:

Brotman Baty Institute, University of Washington
No classification provided (evidence only). Condition: Breast-ovarian cancer, familial 1. Review status: no classification provided. Collection method: in vitro. Allele origin: not applicable. Functional consequence: functionally_normal.
ClinVar note: "not provided" was previously submitted as the classification for the variant. However, the classification appeared to be based only on an observation of functional data so it was converted to no classification on 2025-07-30.

NM_007294.4(BRCA1):c.197A>C (p.Asn66Thr)

Gene: BRCA1 (BRCA1 DNA repair associated; minus strand). Cytogenetic location: 17q21.31.
Variant type: single nucleotide variant.
Coding change: c.197A>C on transcript NM_007294.4 (MANE Select); coding-DNA position 197, A replaced by C.
Protein change: p.Asn66Thr; replaces asparagine 66 with threonine.
Molecular consequence: missense variant.
Genome position (GRCh38, 1-based): chr17:43,106,471, T>G on the plus strand (A>C on the coding strand, the complement: BRCA1 is on the minus strand). VCF-style: chr17-43106471-T-G. GRCh37 (hg19) VCF-style: chr17-41258488-T-G.
Other names: c.197A>C, p.Asn66Thr (NM_001407594.1, NM_001407596.1, NM_001407597.1 and 168 more transcripts); c.56A>C, p.Asn19Thr (NM_001407692.1, NM_001407694.1, NM_001407695.1 and 99 more transcripts); short protein forms N19T, N66T.
Identifiers: ClinVar variation 865248 (VCV000865248.3), dbSNP rs2054774560, ClinGen allele CA10601774.